The following is an entry in ClinVar:

NM_014425.5(INVS):c.3137_3138insTTC (p.Ser1046dup)

Gene: INVS (inversin; plus strand). Cytogenetic location: 9q31.1.
Variant type: Insertion.
Coding change: c.3137_3138insTTC on transcript NM_014425.5 (MANE Select); coding-DNA positions 3137 to 3138, TTC inserted.
Protein change: p.Ser1046dup; duplicates serine 1046.
Molecular consequence: inframe insertion. On other transcripts: non-coding transcript variant (1).
Genome position: GRCh38 VCF-style: chr9-100300611-A-ATCT. GRCh37 (hg19) VCF-style: chr9-103062893-A-ATCT.
Other names: c.2849_2850insTTC, p.Ser950dup (NM_001318381.2); c.2159_2160insTTC, p.Ser720dup (NM_001318382.2); c.3137_3138insTTC (NM_014425.4).
Identifiers: ClinVar variation 286704 (VCV000286704.11), dbSNP rs778453251, ClinGen allele CA5158830.
Genomic context (GRCh38, chr9:100,300,611, plus strand): 5'-GTATTTGTTTTTAACAGTGAGCAACCTACAGTGTATACATCTCCTTGAGAACAGTGGAAG[A>ATCT]TCAAAGAACTTTTCTTATAACCTGCAATCAGCTACTCAGCCAAAAAACAAAACAAAACCT-3'

ClinVar aggregate classification (germline): Uncertain significance. Review status: criteria provided, multiple submitters, no conflicts (2 of 4 stars). 5 submissions from 5 submitters: Uncertain significance (5). Last evaluated 2025-02-17.

Conditions:
Nephronophthisis. Also called: Juvenile Nephronophthisis. Identifiers: Orphanet 655, MedGen C0687120, MONDO:0019005, HP:0000090.
Infantile nephronophthisis (NPHP2). Also called: Nephronophthisis 2, infantile; Nephronophthisis 2. Identifiers: Orphanet 655, Orphanet 93591, MedGen C1865872, MONDO:0011190, OMIM 602088.
INVS-related disorder. Also called: INVS-related condition.

Submissions (5):

PreventionGenetics, part of Exact Sciences
Classification: Uncertain significance for INVS-related condition. Last evaluated: 2025-02-17. Review status: criteria provided, single submitter. Criteria: ACMG Guidelines, 2015. Collection method: clinical testing. Allele origin: germline.
Comment: The INVS c.3137_3138insTTC variant is predicted to result in an in-frame amino acid insertion (p.Ser1046dup). To our knowledge, this variant has not been reported in the literature. This variant is reported in 0.0070% of alleles in individuals of European (Non-Finnish) descent in gnomAD. At this time, the clinical significance of this variant is uncertain due to the absence of conclusive functional and genetic evidence.

Fulgent Genetics
Classification: Uncertain significance for Infantile nephronophthisis. Last evaluated: 2024-06-12. Review status: criteria provided, single submitter. Criteria: ACMG Guidelines, 2015. Collection method: clinical testing. Allele origin: germline.

Blueprint Genetics
Classification: Uncertain significance. Last evaluated: 2024-03-01. Review status: criteria provided, single submitter. Criteria: ACMG Guidelines, 2015. Collection method: clinical testing. Allele origin: germline.

Labcorp Genetics (formerly Invitae), Labcorp
Classification: Uncertain significance for Nephronophthisis. Last evaluated: 2022-08-01. Review status: criteria provided, single submitter. Criteria: Invitae Variant Classification Sherloc (09022015). Collection method: clinical testing. Allele origin: germline.
Comment: This variant, c.3137_3138insTTC, results in the insertion of 1 amino acid(s) of the INVS protein (p.Ser1046dup), but otherwise preserves the integrity of the reading frame. This variant is present in population databases (rs778453251, gnomAD 0.006%). This variant has not been reported in the literature in individuals affected with INVS-related conditions. ClinVar contains an entry for this variant (Variation ID: 286704). Experimental studies and prediction algorithms are not available or were not evaluated, and the effect of this variant on mRNA splicing is currently unknown. In summary, the available evidence is currently insufficient to determine the role of this variant in disease. Therefore, it has been classified as a Variant of Uncertain Significance.

Eurofins Ntd Llc (ga)
Classification: Uncertain significance. Last evaluated: 2016-03-29. Review status: criteria provided, single submitter. Criteria: EGL Classification Definitions 2015. Collection method: clinical testing. Allele origin: germline. Observed: 2 variant alleles, 2 heterozygotes.